The following is an entry in ClinVar:

NC_012920.1(MT-ND5):m.12373A>G

Gene: MT-ND5 (mitochondrially encoded NADH dehydrogenase 5; plus strand).
Variant type: single nucleotide variant.
Genome position: chrM-12373-A-G.
Identifiers: ClinVar variation 693428 (VCV000693428.1), dbSNP rs1556424095, ClinGen allele CA414812865.

ClinVar aggregate classification (germline): Benign (1 of 4 stars; one submission).

Conditions:
Leigh syndrome (NULS). Also called: Leigh's necrotizing encephalopathy; Leigh's disease; Leigh Syndrome (mtDNA deletion); Leigh Disease; Subacute necrotizing encephalopathy; Necrotizing encephalopathy infantile subacute of Leigh. Identifiers: Orphanet 506, MedGen C2931891, MONDO:0009723, OMIM 256000.

Submission:

Wong Mito Lab, Molecular and Human Genetics, Baylor College of Medicine
Classification: Benign for Leigh syndrome. Last evaluated: 2019-10-17. Review status: criteria provided, single submitter. Criteria: Modified ACMG Guidelines (Unpublished). Collection method: clinical testing. Allele origin: germline.
Comment: The NC_012920.1:m.12373A>G (YP_003024036.1:p.Thr13Ala) variant in MTND5 gene is interpretated to be a Benign variant based on the modified ACMG guidelines (unpublished). This variant meets the following evidence codes: BS1, BS2, BP4